The following is an entry in ClinVar:

ClinVar aggregate classification (germline): Uncertain significance (1 of 4 stars; one submission).

Submission:

Laboratory for Molecular Medicine, Mass General Brigham Personalized Medicine
Classification: Uncertain significance. Last evaluated: 2014-07-23. Review status: criteria provided, single submitter. Criteria: LMM Criteria. Collection method: clinical testing. Allele origin: germline. Observed: 1 variant allele.
Comment: The Asn217Asp variant in VCL has not been previously reported in individuals wit h cardiomyopathy or in large population studies. Computational prediction tools and conservation analysis do not provide strong support for or against an impact to the protein. In summary, the clinical significance of the Asn217Asp variant is uncertain.

NM_014000.3(VCL):c.649A>G (p.Asn217Asp)

Gene: VCL (vinculin; plus strand). Cytogenetic location: 10q22.2.
Variant type: single nucleotide variant.
Coding change: c.649A>G on transcript NM_014000.3 (MANE Select); coding-DNA position 649, A replaced by G.
Protein change: p.Asn217Asp; replaces asparagine 217 with aspartic acid.
Molecular consequence: missense variant.
Genome position (GRCh38, 1-based): chr10:74,074,769, A>G. VCF-style: chr10-74074769-A-G. GRCh37 (hg19) VCF-style: chr10-75834527-A-G.
Other names: c.649A>G, p.Asn217Asp (NM_003373.4); short protein forms N217D.
Identifiers: ClinVar variation 179912 (VCV000179912.5), dbSNP rs727505216, ClinGen allele CA185411.